The following is an entry in ClinVar:

ClinVar aggregate classification (germline): Uncertain significance. Review status: criteria provided, multiple submitters, no conflicts (2 of 4 stars). 2 submissions from 2 submitters: Uncertain significance (2). Last evaluated 2022-09-07.

Conditions:
Inborn genetic diseases. Identifiers: MedGen C0950123, MeSH D030342.

Allele frequency attached by ClinVar (database versions not stated): gnomAD exomes below 0.00001; gnomAD 0.00001 and 0.00004.
gnomAD v4.1: 13 of 1,598,900 alleles (0.00081%); highest among the groups gnomAD compares: Middle Eastern, 0.099%; 1 homozygote.

Submissions (2):

Labcorp Genetics (formerly Invitae), Labcorp
Classification: Uncertain significance. Last evaluated: 2022-09-07. Review status: criteria provided, single submitter. Criteria: Invitae Variant Classification Sherloc (09022015). Collection method: clinical testing. Allele origin: germline.
Comment: This sequence change replaces histidine, which is basic and polar, with aspartic acid, which is acidic and polar, at codon 810 of the DOCK6 protein (p.His810Asp). The frequency data for this variant in the population databases is considered unreliable, as metrics indicate poor data quality at this position in the gnomAD database. This variant has not been reported in the literature in individuals affected with DOCK6-related conditions. ClinVar contains an entry for this variant (Variation ID: 1348238). Algorithms developed to predict the effect of missense changes on protein structure and function (SIFT, PolyPhen-2, Align-GVGD) all suggest that this variant is likely to be tolerated. In summary, the available evidence is currently insufficient to determine the role of this variant in disease. Therefore, it has been classified as a Variant of Uncertain Significance.

Ambry Genetics
Classification: Uncertain significance for Inborn genetic diseases. Last evaluated: 2022-04-25. Review status: criteria provided, single submitter. Criteria: Ambry Variant Classification Scheme 2023. Collection method: clinical testing. Allele origin: germline.

NM_020812.4(DOCK6):c.2428C>G (p.His810Asp)

Gene: DOCK6 (dedicator of cytokinesis 6; minus strand). Cytogenetic location: 19p13.2.
Variant type: single nucleotide variant.
Coding change: c.2428C>G on transcript NM_020812.4 (MANE Select); coding-DNA position 2428, C replaced by G.
Protein change: p.His810Asp; replaces histidine 810 with aspartic acid.
Molecular consequence: missense variant.
Genome position (GRCh38, 1-based): chr19:11,235,724, G>C on the plus strand (C>G on the coding strand, the complement: DOCK6 is on the minus strand). VCF-style: chr19-11235724-G-C. GRCh37 (hg19) VCF-style: chr19-11346400-G-C.
Other names: c.2428C>G, p.His810Asp (NM_001367830.1); c.2428C>G (NM_020812.2); short protein forms H810D.
Identifiers: ClinVar variation 1348238 (VCV001348238.4), dbSNP rs560055632, ClinGen allele CA305331206.